The following is an entry in ClinVar:

ClinVar aggregate classification (germline): Uncertain significance (1 of 4 stars; one submission).

Allele frequency attached by ClinVar (database versions not stated): ExAC 0.00001; gnomAD exomes 0.00001; gnomAD 0.00002; TOPMed 0.00002; ESP Exome Variant Server 0.00008.

Submission:

Labcorp Genetics (formerly Invitae), Labcorp
Classification: Uncertain significance. Last evaluated: 2025-02-08. Review status: criteria provided, single submitter. Criteria: Invitae Variant Classification Sherloc (09022015). Collection method: clinical testing. Allele origin: germline.
Comment: This sequence change replaces arginine, which is basic and polar, with tryptophan, which is neutral and slightly polar, at codon 291 of the IHH protein (p.Arg291Trp). This variant is present in population databases (rs374817008, gnomAD 0.008%). This variant has not been reported in the literature in individuals affected with IHH-related conditions. ClinVar contains an entry for this variant (Variation ID: 1980219). Invitae Evidence Modeling of protein sequence and biophysical properties (such as structural, functional, and spatial information, amino acid conservation, physicochemical variation, residue mobility, and thermodynamic stability) indicates that this missense variant is expected to disrupt IHH protein function with a positive predictive value of 80%. In summary, the available evidence is currently insufficient to determine the role of this variant in disease. Therefore, it has been classified as a Variant of Uncertain Significance.

NM_002181.4(IHH):c.871C>T (p.Arg291Trp)

Gene: IHH (Indian hedgehog signaling molecule; minus strand). Cytogenetic location: 2q35.
Variant type: single nucleotide variant.
Coding change: c.871C>T on transcript NM_002181.4 (MANE Select); coding-DNA position 871, C replaced by T.
Protein change: p.Arg291Trp; replaces arginine 291 with tryptophan.
Molecular consequence: missense variant.
Genome position (GRCh38, 1-based): chr2:219,055,572, G>A on the plus strand (C>T on the coding strand, the complement: IHH is on the minus strand). VCF-style: chr2-219055572-G-A. GRCh37 (hg19) VCF-style: chr2-219920294-G-A.
Other names: short protein forms R291W.
Identifiers: ClinVar variation 1980219 (VCV001980219.4), dbSNP rs374817008, ClinGen allele CA2116584.